The following is an entry in ClinVar:

ClinVar aggregate classification (germline): Uncertain significance (1 of 4 stars; one submission).

gnomAD v4.1: 10 of 1,612,610 alleles (0.00062%); highest among the groups gnomAD compares: South Asian, 0.0044%; no homozygotes.

Submission:

Labcorp Genetics (formerly Invitae), Labcorp
Classification: Uncertain significance. Last evaluated: 2025-08-07. Review status: criteria provided, single submitter. Criteria: Invitae Variant Classification Sherloc (09022015). Collection method: clinical testing. Allele origin: germline.
Comment: This sequence change replaces arginine, which is basic and polar, with histidine, which is basic and polar, at codon 384 of the KIF11 protein (p.Arg384His). This variant is present in population databases (rs762253167, gnomAD 0.003%). This variant has not been reported in the literature in individuals affected with KIF11-related conditions. ClinVar contains an entry for this variant (Variation ID: 3675184). Invitae Evidence Modeling of protein sequence and biophysical properties (such as structural, functional, and spatial information, amino acid conservation, physicochemical variation, residue mobility, and thermodynamic stability) has been performed for this missense variant. However, the output from this modeling did not meet the statistical confidence thresholds required to predict the impact of this variant on KIF11 protein function. In summary, the available evidence is currently insufficient to determine the role of this variant in disease. Therefore, it has been classified as a Variant of Uncertain Significance.

NM_004523.4(KIF11):c.1151G>A (p.Arg384His)

Gene: KIF11 (kinesin family member 11; plus strand). Cytogenetic location: 10q23.33.
Variant type: single nucleotide variant.
Coding change: c.1151G>A on transcript NM_004523.4 (MANE Select); coding-DNA position 1151, G replaced by A.
Protein change: p.Arg384His; replaces arginine 384 with histidine.
Molecular consequence: missense variant.
Genome position (GRCh38, 1-based): chr10:92,621,407, G>A. VCF-style: chr10-92621407-G-A. GRCh37 (hg19) VCF-style: chr10-94381164-G-A.
Other names: short protein forms R384H.
Identifiers: ClinVar variation 3675184 (VCV003675184.2).